The following is an entry in ClinVar:

NM_005475.3(SH2B3):c.254C>T (p.Pro85Leu)

Gene: SH2B3 (SH2B adaptor protein 3; plus strand). Cytogenetic location: 12q24.12.
Variant type: single nucleotide variant.
Coding change: c.254C>T on transcript NM_005475.3 (MANE Select); coding-DNA position 254, C replaced by T.
Protein change: p.Pro85Leu; replaces proline 85 with leucine.
Molecular consequence: missense variant.
Genome position (GRCh38, 1-based): chr12:111,418,399, C>T. VCF-style: chr12-111418399-C-T. GRCh37 (hg19) VCF-style: chr12-111856203-C-T.
Other names: short protein forms P85L.
Identifiers: ClinVar variation 3795108 (VCV003795108.1).
Genomic context (GRCh38, chr12:111,418,399, plus strand): 5'-TGCAGTTCACCGACCTCTTCCAGCGCTACTTCTGCCGCGAGGTGCGCGACGGACGGGCGC[C>T]GGGCCGCGACTACCGGGACACAGGCCGTGGGCCCCCAGCCAAGGCCGAGGCGTCCCCGGA-3'
Protein context (NP_005466.1, residues 75-95): FCREVRDGRA[Pro85Leu]GRDYRDTGRG

ClinVar aggregate classification (germline): Uncertain significance (1 of 4 stars; one submission).

Conditions:
Inborn genetic diseases. Identifiers: MedGen C0950123, MeSH D030342.

Submission:

Ambry Genetics
Classification: Uncertain significance for Inborn genetic diseases. Last evaluated: 2025-01-14. Review status: criteria provided, single submitter. Criteria: Ambry Variant Classification Scheme 2023. Collection method: clinical testing. Allele origin: germline.
Comment: The p.P85L variant (also known as c.254C>T), located in coding exon 1 of the SH2B3 gene, results from a C to T substitution at nucleotide position 254. The proline at codon 85 is replaced by leucine, an amino acid with similar properties. This amino acid position is conserved. In addition, this alteration is predicted to be tolerated by in silico analysis. Based on the available evidence, the clinical significance of this variant remains unclear.